The following is an entry in ClinVar:

NM_001123385.2(BCOR):c.3502+127G>T

Gene: BCOR (BCL6 corepressor; minus strand). Cytogenetic location: Xp11.4.
Variant type: single nucleotide variant.
Coding change: c.3502+127G>T on transcript NM_001123385.2 (MANE Select); 127 bases into the intron after coding-DNA position 3502, G replaced by T.
Molecular consequence: intron variant.
Genome position (GRCh38, 1-based): chrX:40,064,209, C>A on the plus strand (G>T on the coding strand, the complement: BCOR is on the minus strand). VCF-style: chrX-40064209-C-A. GRCh37 (hg19) VCF-style: chrX-39923462-C-A.
Other names: c.3448+127G>T (NM_001123384.2, NM_001438207.1); c.3502+127G>T (NM_001123383.2, NM_001437510.1, NM_001438208.1 and 2 more transcripts).
Identifiers: ClinVar variation 674195 (VCV000674195.1), dbSNP rs5963731, ClinGen allele CA15005962.

ClinVar aggregate classification (germline): Benign (1 of 4 stars; one submission).

Allele frequency attached by ClinVar (database versions not stated): gnomAD 0.09813 and 0.10957; TOPMed 0.11411; gnomAD exomes 0.12109; 1000 Genomes Project 30x 0.24537; 1000 Genomes Project 0.25934.
gnomAD v4.1: 123,609 of 1,026,924 alleles (12%); highest among the groups gnomAD compares: East Asian, 67%; 9,235 homozygotes.

Submission:

GeneDx
Classification: Benign. Last evaluated: 2018-06-19. Review status: criteria provided, single submitter. Criteria: GeneDx Variant Classification (06012015). Collection method: clinical testing. Allele origin: germline. Affected: yes.
Comment: This variant is considered likely benign or benign based on one or more of the following criteria: it is a conservative change, it occurs at a poorly conserved position in the protein, it is predicted to be benign by multiple in silico algorithms, and/or has population frequency not consistent with disease.